The following is an entry in ClinVar:

ClinVar aggregate classification (germline): Pathogenic (1 of 4 stars; one submission).

Submission:

Labcorp Genetics (formerly Invitae), Labcorp
Classification: Pathogenic. Last evaluated: 2024-07-23. Review status: criteria provided, single submitter. Criteria: Invitae Variant Classification Sherloc (09022015). Collection method: clinical testing. Allele origin: germline.
Comment: This sequence change creates a premature translational stop signal (p.Arg72Glyfs*4) in the COQ8B gene. It is expected to result in an absent or disrupted protein product. Loss-of-function variants in COQ8B are known to be pathogenic (PMID: 24270420). This variant is not present in population databases (gnomAD no frequency). This variant has not been reported in the literature in individuals affected with COQ8B-related conditions. For these reasons, this variant has been classified as Pathogenic.

Literature cited by the submitters: PubMed 24270420.

NM_024876.4(COQ8B):c.214del (p.Arg72fs)

Gene: COQ8B (coenzyme Q8B; minus strand). Cytogenetic location: 19q13.2.
Variant type: Deletion.
Coding change: c.214del on transcript NM_024876.4 (MANE Select); coding-DNA position 214, one base deleted (C; older notation c.214delC).
Protein change: p.Arg72fs; shifts the reading frame from arginine 72.
Molecular consequence: frameshift variant.
Genome position (GRCh38, 1-based): chr19:40,714,286, G deleted on the plus strand (C on the coding strand, the reverse complement: COQ8B is on the minus strand); the first of 4 consecutive G bases (chr19:40,714,286-40,714,289); deleting any one gives the same sequence. VCF-style (leftmost placement, unchanged base first): chr19-40714285-CG-C. GRCh37 (hg19) VCF-style: chr19-41220190-CG-C.
Other names: c.214del, p.Arg72fs (NM_001142555.3); short protein forms R72fs.
Identifiers: ClinVar variation 3660280 (VCV003660280.2).